The following is an entry in ClinVar:

ClinVar aggregate classification (germline): Likely benign. Review status: criteria provided, multiple submitters, no conflicts (2 of 4 stars). 3 submissions from 3 submitters: Likely benign (3). Last evaluated 2025-10-29.

Conditions:
Hereditary cancer-predisposing syndrome. Also called: Hereditary Cancer Syndrome; Neoplastic Syndromes, Hereditary; Hereditary neoplastic syndrome; Tumor predisposition. Identifiers: Orphanet 140162, MedGen C0027672, MeSH D009386, MONDO:0015356.
Classic or attenuated familial adenomatous polyposis. Identifiers: MedGen CN372698, MONDO:0021057.
Familial adenomatous polyposis 1 (FAP1). Also called: FAMILIAL ADENOMATOUS POLYPOSIS 1, ATTENUATED; POLYPOSIS, ADENOMATOUS INTESTINAL. Identifiers: MedGen C2713442, MONDO:0021056, OMIM 175100. Disease mechanism: loss of function.

Allele frequency attached by ClinVar (database versions not stated): gnomAD exomes below 0.00001; ExAC 0.00001.
gnomAD v4.1: 1 of 1,614,080 alleles (0.000062%); highest among the groups gnomAD compares: South Asian, 0.0011%; no homozygotes.

Submissions (3):

Ambry Genetics
Classification: Likely benign for Hereditary cancer-predisposing syndrome. Last evaluated: 2025-10-29. Review status: criteria provided, single submitter. Criteria: Ambry Variant Classification Scheme 2023. Collection method: clinical testing. Allele origin: germline.

Labcorp Genetics (formerly Invitae), Labcorp
Classification: Likely benign for Familial adenomatous polyposis 1. Last evaluated: 2025-05-21. Review status: criteria provided, single submitter. Criteria: Invitae Variant Classification Sherloc (09022015). Collection method: clinical testing. Allele origin: germline.

All of Us Research Program, National Institutes of Health
Classification: Likely benign for Classic or attenuated familial adenomatous polyposis. Last evaluated: 2024-07-29. Review status: criteria provided, single submitter. Criteria: ACMG Guidelines, 2015. Collection method: clinical testing. Allele origin: germline. Inheritance: Autosomal dominant inheritance. Observed: 1 variant allele, 1 heterozygote.
Comment: This study involves interpretation of variants in research participants for the purpose of population health screening. Participant phenotype was not available at the time of variant classification. Additional details can be found in publication PMID: 35346344, PMCID: PMC8962531

NM_000038.6(APC):c.1765T>C (p.Leu589=)

Gene: APC (APC regulator of Wnt signaling pathway; plus strand). Cytogenetic location: 5q22.2.
Variant type: single nucleotide variant.
Coding change: c.1765T>C on transcript NM_000038.6 (MANE Select); coding-DNA position 1765, T replaced by C.
Protein change: p.Leu589=; no amino-acid change (leucine 589 retained).
Molecular consequence: synonymous variant.
Genome position (GRCh38, 1-based): chr5:112,834,972, T>C. VCF-style: chr5-112834972-T-C. GRCh37 (hg19) VCF-style: chr5-112170669-T-C.
Other names: c.1765T>C (NM_000038.5); c.1765T>C, p.Leu589= (NM_001127510.3, NM_001354895.2); c.1711T>C, p.Leu571= (NM_001127511.3); c.1819T>C, p.Leu607= (NM_001354896.2); c.1795T>C, p.Leu599= (NM_001354897.2); c.1690T>C, p.Leu564= (NM_001354898.2); c.1681T>C, p.Leu561= (NM_001354899.2); c.1642T>C, p.Leu548= (NM_001354900.2); and 6 more.
Identifiers: ClinVar variation 1622291 (VCV001622291.10), dbSNP rs765079957, ClinGen allele CA029530.
Genomic context (GRCh38, chr5:112,834,972, plus strand): 5'-CAACTCTAATTAGATGACCCATATTCTGTTTCTTACTAGGAATCAACCCTCAAAAGCGTA[T>C]TGAGTGCCTTATGGAATTTGTCAGCACATTGCACTGAGAATAAAGCTGATATATGTGCTG-3'
Protein context (NP_000029.2, residues 579-599): VKKESTLKSV[Leu589=]SALWNLSAHC